The following is an entry in ClinVar:

ClinVar aggregate classification (germline): Benign/Likely benign. Review status: criteria provided, multiple submitters, no conflicts (2 of 4 stars). 14 submissions from 14 submitters: Benign (12); Likely benign (1). 1 of the submissions does not count toward it. Last evaluated 2026-02-04.

Conditions:
Hereditary cancer-predisposing syndrome. Also called: Tumor predisposition; Hereditary neoplastic syndrome; Hereditary Cancer Syndrome; Neoplastic Syndromes, Hereditary. Identifiers: Orphanet 140162, MedGen C0027672, MeSH D009386, MONDO:0015356.
Neuroblastoma, susceptibility to, 3. Also called: ALK-Related Neuroblastic Tumor Susceptibility. Identifiers: Orphanet 635, MedGen C2751681, MONDO:0013083, OMIM 613014.

Allele frequency attached by ClinVar (database versions not stated): 1000 Genomes Project 30x 0.57495; 1000 Genomes Project 0.58926; TOPMed 0.62169; ESP Exome Variant Server 0.62702.
gnomAD v4.1: 1,246,583 of 1,613,634 alleles (77%); highest among the groups gnomAD compares: Non-Finnish European, 81%; 494,258 homozygotes.

Submissions (14):

Labcorp Genetics (formerly Invitae), Labcorp
Classification: Benign for Neuroblastoma, susceptibility to, 3. Last evaluated: 2026-02-04. Review status: criteria provided, single submitter. Criteria: Invitae Variant Classification Sherloc (09022015). Collection method: clinical testing. Allele origin: germline.

ARUP Laboratories, Molecular Genetics and Genomics, ARUP Laboratories
Classification: Benign for Neuroblastoma, susceptibility to, 3. Last evaluated: 2025-07-30. Review status: criteria provided, single submitter. Criteria: ARUP Molecular Germline Variant Investigation Process 2024. Collection method: clinical testing. Allele origin: germline.

Blueprint Genetics
Classification: Likely benign. Last evaluated: 2024-11-26. Review status: criteria provided, single submitter. Criteria: ACMG Guidelines, 2015. Collection method: clinical testing. Allele origin: germline.

KCCC/NGS Laboratory, Kuwait Cancer Control Center
Classification: Benign for Neuroblastoma, susceptibility to, 3. Last evaluated: 2023-07-07. Review status: criteria provided, single submitter. Criteria: ACMG Guidelines, 2015. Collection method: clinical testing. Allele origin: germline. Affected: yes.

Mayo Clinic Laboratories, Mayo Clinic
Classification: Benign. Last evaluated: 2022-03-03. Review status: criteria provided, single submitter. Criteria: ACMG Guidelines, 2015. Collection method: clinical testing. Allele origin: germline. Observed: 249 variant alleles.

Illumina Laboratory Services, Illumina
Classification: Benign for Neuroblastoma, susceptibility to, 3. Last evaluated: 2018-01-13. Review status: criteria provided, single submitter. Criteria: ICSL Variant Classification Criteria 13 December 2019. Collection method: clinical testing. Allele origin: germline.
Comment: This variant was observed in the ICSL laboratory as part of a predisposition screen in an ostensibly healthy population. It had not been previously curated by ICSL or reported in the Human Gene Mutation Database (HGMD: prior to June 1st, 2018), and was therefore a candidate for classification through an automated scoring system. Utilizing variant allele frequency, disease prevalence and penetrance estimates, and inheritance mode, an automated score was calculated to assess if this variant is too frequent to cause the disease. Based on the score and internal cut-off values, a variant classified as benign is not then subjected to further curation. The score for this variant resulted in a classification of benign for this disease.

Ambry Genetics
Classification: Benign for Hereditary cancer-predisposing syndrome. Last evaluated: 2016-12-08. Review status: criteria provided, single submitter. Criteria: Ambry Variant Classification Scheme 2023. Collection method: clinical testing. Allele origin: germline.

Women's Health and Genetics/Laboratory Corporation of America, LabCorp
Classification: Benign. Last evaluated: 2016-04-27. Review status: criteria provided, single submitter. Criteria: LabCorp Variant Classification Summary - May 2015. Collection method: clinical testing. Allele origin: germline.
Comment: Variant summary: The variant of interest causes a synonymous change involving a conserved nucleotide with 5/5 in silico programs via Alamut predicting no significant effect on splicing. The variant of interest was observed in the large, broad control population, ExAC, with an allele frequency of 89037/121392 (34225 homozygotes) indicating that the variant of interest is the major allele (allele most commonly observed in the general population). Therefore, the variant of interest is classified as Benign.

Laboratory for Molecular Medicine, Mass General Brigham Personalized Medicine
Classification: Benign. Last evaluated: 2016-03-29. Review status: criteria provided, single submitter. Criteria: LMM Criteria. Collection method: clinical testing. Allele origin: germline.
Comment: Variant identified in a genome or exome case(s) and assessed due to predicted null impact of the variant or pathogenic assertions in the literature or databases. Disclaimer: This variant has not undergone full assessment. The following are preliminary notes: Frequency

GeneDx
Classification: Benign. Last evaluated: 2016-03-02. Review status: criteria provided, single submitter. Criteria: GeneDx Variant Classification (06012015). Collection method: clinical testing. Allele origin: germline. Affected: yes.
Comment: This variant is considered likely benign or benign based on one or more of the following criteria: it is a conservative change, it occurs at a poorly conserved position in the protein, it is predicted to be benign by multiple in silico algorithms, and/or has population frequency not consistent with disease.

Clinical Genetics DNA and cytogenetics Diagnostics Lab, Erasmus MC, Erasmus Medical Center
Classification: Benign for Neuroblastoma, susceptibility to, 3. Last evaluated: 2015-09-21. Review status: criteria provided, single submitter. Criteria: ACGS Guidelines, 2013. Collection method: clinical testing. Allele origin: germline. Affected: yes. Study: VKGL Data-share Consensus.

Breakthrough Genomics
Classification: Benign. Review status: criteria provided, single submitter. Criteria: ACMG Guidelines, 2015. Collection method: not provided. Allele origin: germline. Inheritance: Unknown mechanism. Affected: yes.

PreventionGenetics, part of Exact Sciences
Classification: Benign. Review status: criteria provided, single submitter. Criteria: ACMG Guidelines, 2015. Collection method: clinical testing. Allele origin: germline.

Diagnostic Laboratory, Department of Genetics, University Medical Center Groningen
Classification: Benign for Neuroblastoma, susceptibility to, 3. Review status: no assertion criteria provided. Collection method: clinical testing. Allele origin: germline. Affected: yes. Study: VKGL Data-share Consensus. Not counted in ClinVar's aggregate classification.

NM_004304.5(ALK):c.702T>A (p.Pro234=)

Gene: ALK (ALK receptor tyrosine kinase; minus strand). Cytogenetic location: 2p23.2.
Variant type: single nucleotide variant.
Coding change: c.702T>A on transcript NM_004304.5 (MANE Select); coding-DNA position 702, T replaced by A.
Protein change: p.Pro234=; no amino-acid change (proline 234 retained).
Molecular consequence: synonymous variant.
Genome position (GRCh38, 1-based): chr2:29,717,663, A>T on the plus strand (T>A on the coding strand, the complement: ALK is on the minus strand). VCF-style: chr2-29717663-A-T. GRCh37 (hg19) VCF-style: chr2-29940529-A-T.
Other names: p.Pro234=.
Identifiers: ClinVar variation 259274 (VCV000259274.38), dbSNP rs2246745, ClinGen allele CA1594891.